The following is an entry in ClinVar:

ClinVar aggregate classification (germline): Pathogenic (1 of 4 stars; one submission).

Submission:

Labcorp Genetics (formerly Invitae), Labcorp
Classification: Pathogenic. Last evaluated: 2024-10-15. Review status: criteria provided, single submitter. Criteria: Invitae Variant Classification Sherloc (09022015). Collection method: clinical testing. Allele origin: germline.
Comment: This sequence change creates a premature translational stop signal (p.Thr148Tyrfs*8) in the C2CD3 gene. It is expected to result in an absent or disrupted protein product. Loss-of-function variants in C2CD3 are known to be pathogenic (PMID: 24997988, 26477546). This variant is present in population databases (no rsID available, gnomAD 0.0009%). This variant has not been reported in the literature in individuals affected with C2CD3-related conditions. ClinVar contains an entry for this variant (Variation ID: 1905561). For these reasons, this variant has been classified as Pathogenic.

Literature cited by the submitters: PubMed 24997988; PubMed 26477546.

NM_001286577.2(C2CD3):c.441dup (p.Thr148fs)

Gene: C2CD3 (C2 domain containing 3 centriole elongation regulator; minus strand). Cytogenetic location: 11q13.4.
Variant type: Duplication.
Coding change: c.441dup on transcript NM_001286577.2 (MANE Select); coding-DNA position 441, one base duplicated (T; older notation c.441dupT).
Protein change: p.Thr148fs; shifts the reading frame from threonine 148.
Molecular consequence: frameshift variant.
Genome position (GRCh38, 1-based): chr11:74,161,441, A duplicated on the plus strand (T on the coding strand, the reverse complement: C2CD3 is on the minus strand); the first of 6 consecutive A bases (chr11:74,161,441-74,161,446); duplicating any one gives the same sequence. VCF-style (leftmost placement, unchanged base first): chr11-74161440-T-TA. GRCh37 (hg19) VCF-style: chr11-73872485-T-TA.
Other names: c.441dup, p.Thr148fs (NM_015531.6); short protein forms T148fs.
Identifiers: ClinVar variation 1905561 (VCV001905561.5), dbSNP rs1565358555, ClinGen allele CA600245192.